The following is an entry in ClinVar:

ClinVar aggregate classification (germline): Likely benign (1 of 4 stars; one submission).

Allele frequency attached by ClinVar (database versions not stated): gnomAD exomes 0.00152; ExAC 0.00485; gnomAD 0.01431; 1000 Genomes Project 0.01577; TOPMed 0.01603; ESP Exome Variant Server 0.01692; 1000 Genomes Project 30x 0.01733.
gnomAD v4.1: 4,467 of 1,613,896 alleles (0.28%); highest among the groups gnomAD compares: African/African-American, 5%; 87 homozygotes.

Submission:

GeneDx
Classification: Likely benign. Last evaluated: 2018-11-16. Review status: criteria provided, single submitter. Criteria: GeneDx Variant Classification Process June 2021. Collection method: clinical testing. Allele origin: germline. Affected: yes.
Comment: See Variant Classification Assertion Criteria.

NM_000484.4(APP):c.1587+26T>G

Genes: APP (amyloid beta precursor protein; minus strand), LOC126653330 (CDK7 strongly-dependent group 2 enhancer GRCh37_chr21:27326978-27328177; plus strand). Cytogenetic location: 21q21.3.
Variant type: single nucleotide variant.
Coding change: c.1587+26T>G on transcript NM_000484.4 (MANE Select); 26 bases into the intron after coding-DNA position 1587, T replaced by G.
Molecular consequence: intron variant.
Genome position (GRCh38, 1-based): chr21:25,955,601, A>C on the plus strand (T>G on the coding strand, the complement: APP is on the minus strand). VCF-style: chr21-25955601-A-C. GRCh37 (hg19) VCF-style: chr21-27327915-A-C.
Other names: c.1257+26T>G (NM_001136131.3); c.1194+26T>G (NM_001136129.3); c.1419+26T>G (NM_001136130.3, NM_001385253.1); c.1362+26T>G (NM_001204303.2, NM_201414.3); c.1530+26T>G (NM_001204302.2, NM_201413.3); c.1587+26T>G (NM_001204301.2); c.1515+26T>G (NM_001136016.3).
Identifiers: ClinVar variation 1706724 (VCV001706724.2), dbSNP rs45454602, ClinGen allele CA9987266.
Genomic context (GRCh38, chr21:25,955,601, plus strand): 5'-AGAATGCGTGGGATCCTGTCACCAACCCAAGAAGCAAGAATCCTGGATTGTCAAAGCTGC[A>C]GAAGATGATTATACCCCACGCTTACCTGGGACCGGATCTGAGCGGCTTTCTTGGGATCCA-3'